The following is an entry in ClinVar:

ClinVar aggregate classification (germline): Uncertain significance (1 of 4 stars; one submission).

Allele frequency attached by ClinVar (database versions not stated): ExAC 0.00001; gnomAD exomes 0.00002; TOPMed 0.00002.
gnomAD v4.1: 11 of 1,613,976 alleles (0.00068%); highest among the groups gnomAD compares: Admixed American, 0.017%; no homozygotes.

Submission:

Labcorp Genetics (formerly Invitae), Labcorp
Classification: Uncertain significance. Last evaluated: 2024-01-25. Review status: criteria provided, single submitter. Criteria: Invitae Variant Classification Sherloc (09022015). Collection method: clinical testing. Allele origin: germline.
Comment: This sequence change replaces leucine, which is neutral and non-polar, with valine, which is neutral and non-polar, at codon 919 of the ITGAM protein (p.Leu919Val). This variant is present in population databases (rs754880491, gnomAD 0.02%). This variant has not been reported in the literature in individuals affected with ITGAM-related conditions. An algorithm developed to predict the effect of missense changes on protein structure and function (PolyPhen-2) suggests that this variant is likely to be disruptive. In summary, the available evidence is currently insufficient to determine the role of this variant in disease. Therefore, it has been classified as a Variant of Uncertain Significance.

NM_000632.4(ITGAM):c.2755C>G (p.Leu919Val)

Gene: ITGAM (integrin subunit alpha M; plus strand). Cytogenetic location: 16p11.2.
Variant type: single nucleotide variant.
Coding change: c.2755C>G on transcript NM_000632.4 (MANE Select); coding-DNA position 2755, C replaced by G.
Protein change: p.Leu919Val; replaces leucine 919 with valine.
Molecular consequence: missense variant.
Genome position (GRCh38, 1-based): chr16:31,328,193, C>G. VCF-style: chr16-31328193-C-G. GRCh37 (hg19) VCF-style: chr16-31339514-C-G.
Other names: c.2758C>G, p.Leu920Val (NM_001145808.2); short protein forms L919V, L920V.
Identifiers: ClinVar variation 2968551 (VCV002968551.3), dbSNP rs754880491, ClinGen allele CA8025960.